The following is an entry in ClinVar:

ClinVar aggregate classification (germline): Likely benign. Review status: criteria provided, multiple submitters, no conflicts (2 of 4 stars). 2 submissions from 2 submitters: Likely benign (2). Last evaluated 2026-06-05.

Conditions:
Hereditary pheochromocytoma and paraganglioma. Also called: Hereditary Paraganglioma-Pheochromocytoma Syndromes; Hereditary paragangliomas and pheochromocytomas; Hereditary pheochromocytoma-paraganglioma. Identifiers: Orphanet 29072, MedGen C4274332, MONDO:0017366.
Pheochromocytoma. Also called: MAX-Related Hereditary Paraganglioma-Pheochromocytoma Syndrome. Identifiers: Orphanet 29072, MedGen C0031511, MONDO:0008233, OMIM 171300, HP:0002666.

Allele frequency attached by ClinVar (database versions not stated): ExAC 0.00001; TOPMed 0.00001.

Submissions (2):

Myriad Genetics, Inc.
Classification: Likely benign for Pheochromocytoma. Last evaluated: 2026-06-05. Review status: criteria provided, single submitter. Criteria: Myriad Autosomal Dominant, Autosomal Recessive and X-Linked Classification Criteria (2023). Collection method: clinical testing. Allele origin: unknown.
Comment: This variant is considered likely benign. This variant is intronic and is not expected to impact mRNA splicing.

Labcorp Genetics (formerly Invitae), Labcorp
Classification: Likely benign for Hereditary pheochromocytoma and paraganglioma. Last evaluated: 2024-08-13. Review status: criteria provided, single submitter. Criteria: Invitae Variant Classification Sherloc (09022015). Collection method: clinical testing. Allele origin: germline.

NM_002382.5(MAX):c.171+9C>T

Genes: MAX (MYC associated transcriptional regulator X; minus strand), MAX-AS1 (MAX antisense RNA 1; plus strand). Cytogenetic location: 14q23.3.
Variant type: single nucleotide variant.
Coding change: c.171+9C>T on transcript NM_002382.5 (MANE Select); 9 bases into the intron after coding-DNA position 171, C replaced by T.
Molecular consequence: intron variant. On other transcripts: non-coding transcript variant (1).
Genome position (GRCh38, 1-based): chr14:65,093,699, G>A on the plus strand (C>T on the coding strand, the complement: MAX is on the minus strand). VCF-style: chr14-65093699-G-A. GRCh37 (hg19) VCF-style: chr14-65560417-G-A.
Other names: c.144+9C>T (NM_001271069.2, NM_145112.3, NM_001271068.2); c.171+9C>T (NM_197957.4, NM_145113.3, NM_145114.3); c.-104+9C>T (NM_001320415.2).
Identifiers: ClinVar variation 1597320 (VCV001597320.9), dbSNP rs750256858, ClinGen allele CA7232974.
Genomic context (GRCh38, chr14:65,093,699, plus strand): 5'-CTCTGCTAAGCTCTGCAACAAGTTCCAAGCTAGTAGTGGCCAGCTACTCAGCTTTCTCAG[G>A]AAACTCACCTTCTCTCCTTGGAGTGATGGGACTGAGTCCCGCAAACTGTGAAAGCTGTCT-3'